The following is an entry in ClinVar:

ClinVar aggregate classification (germline): Uncertain significance. Review status: criteria provided, multiple submitters, no conflicts (2 of 4 stars). 5 submissions from 5 submitters: Uncertain significance (5). Last evaluated 2026-02-19.

Conditions:
Hereditary cancer-predisposing syndrome. Also called: Tumor predisposition; Hereditary Cancer Syndrome; Hereditary neoplastic syndrome; Neoplastic Syndromes, Hereditary. Identifiers: Orphanet 140162, MedGen C0027672, MeSH D009386, MONDO:0015356.
Birt-Hogg-Dube syndrome. Also called: Birt Hogg Dubé syndrome. Identifiers: Orphanet 122, MedGen C0346010, MONDO:0800444.

Submissions (5):

Ambry Genetics
Classification: Uncertain significance for Hereditary cancer-predisposing syndrome. Last evaluated: 2026-02-19. Review status: criteria provided, single submitter. Criteria: Ambry Variant Classification Scheme 2023. Collection method: clinical testing. Allele origin: germline.
Comment: The c.1434G>A variant (also known as p.V478V), located in coding exon 10 of the FLCN gene, results from a G to A substitution at nucleotide position 1434. This nucleotide substitution does not change the valine at codon 478. This nucleotide position is poorly conserved in available vertebrate species. In silico splice site analysis predicts that this alteration will result in the creation or strengthening of a novel splice acceptor site. Based on the available evidence, the clinical significance of this variant remains unclear.

Center for Genomic Medicine, Rigshospitalet, Copenhagen University Hospital
Classification: Uncertain significance. Last evaluated: 2025-03-04. Review status: criteria provided, single submitter. Criteria: ACMG Guidelines, 2015. Collection method: clinical testing. Allele origin: germline.

Blueprint Genetics
Classification: Uncertain significance. Last evaluated: 2023-08-24. Review status: criteria provided, single submitter. Criteria: ACMG Guidelines, 2015. Collection method: clinical testing. Allele origin: germline.

Labcorp Genetics (formerly Invitae), Labcorp
Classification: Uncertain significance for Birt-Hogg-Dube syndrome. Last evaluated: 2022-08-27. Review status: criteria provided, single submitter. Criteria: Invitae Variant Classification Sherloc (09022015). Collection method: clinical testing. Allele origin: germline.
Comment: In summary, the available evidence is currently insufficient to determine the role of this variant in disease. Therefore, it has been classified as a Variant of Uncertain Significance. Algorithms developed to predict the effect of sequence changes on RNA splicing suggest that this variant may create or strengthen a splice site. ClinVar contains an entry for this variant (Variation ID: 428648). This variant has not been reported in the literature in individuals affected with FLCN-related conditions. This variant is not present in population databases (gnomAD no frequency). This sequence change affects codon 478 of the FLCN mRNA. It is a 'silent' change, meaning that it does not change the encoded amino acid sequence of the FLCN protein.

Mayo Clinic Laboratories, Mayo Clinic
Classification: Uncertain significance. Last evaluated: 2022-03-22. Review status: criteria provided, single submitter. Criteria: ACMG Guidelines, 2015. Collection method: clinical testing. Allele origin: germline. Observed: 1 variant allele.
Comment: BP2, PP3, PM2

NM_144997.7(FLCN):c.1434G>A (p.Val478=)

Gene: FLCN (folliculin; minus strand). Cytogenetic location: 17p11.2.
Variant type: single nucleotide variant.
Coding change: c.1434G>A on transcript NM_144997.7 (MANE Select); coding-DNA position 1434, G replaced by A.
Protein change: p.Val478=; no amino-acid change (valine 478 retained).
Molecular consequence: synonymous variant.
Genome position (GRCh38, 1-based): chr17:17,215,089, C>T on the plus strand (G>A on the coding strand, the complement: FLCN is on the minus strand). VCF-style: chr17-17215089-C-T. GRCh37 (hg19) VCF-style: chr17-17118403-C-T.
Other names: p.Val478=; c.1488G>A, p.Val496= (NM_001353229.2); c.1434G>A, p.Val478= (NM_001353230.2, NM_001353231.2); c.1434G>A (LRG_325t1).
Identifiers: ClinVar variation 428648 (VCV000428648.20), dbSNP rs1131690834, ClinGen allele CA498421180.